The following is an entry in ClinVar:

NM_004304.5(ALK):c.3868A>G (p.Met1290Val)

Gene: ALK (ALK receptor tyrosine kinase; minus strand). Cytogenetic location: 2p23.2.
Variant type: single nucleotide variant.
Coding change: c.3868A>G on transcript NM_004304.5 (MANE Select); coding-DNA position 3868, A replaced by G.
Protein change: p.Met1290Val; replaces methionine 1290 with valine.
Molecular consequence: missense variant.
Genome position (GRCh38, 1-based): chr2:29,207,241, T>C on the plus strand (A>G on the coding strand, the complement: ALK is on the minus strand). VCF-style: chr2-29207241-T-C. GRCh37 (hg19) VCF-style: chr2-29430107-T-C.
Other names: c.664A>G, p.Met222Val (NM_001353765.2); short protein forms M1290V, M222V.
Identifiers: ClinVar variation 2824289 (VCV002824289.3), dbSNP rs775528669, ClinGen allele CA346468924.
Genomic context (GRCh38, chr2:29,207,241, plus strand): 5'-TTTTAGAAGTGAATATTCCTTCCATGAAGGCCTCTGGGGGCATCCACTTAACTGGCAGCA[T>C]GGCACAGCCTCCCTTTCTATAGTAGCTCGCCCTGTGGGGAAGGAGAGGAAAACCAAACTA-3'
Protein context (NP_004295.2, residues 1280-1300): ASYYRKGGCA[Met1290Val]LPVKWMPPEA

ClinVar aggregate classification (germline): Uncertain significance (1 of 4 stars; one submission).

Conditions:
Neuroblastoma, susceptibility to, 3. Also called: ALK-Related Neuroblastic Tumor Susceptibility. Identifiers: Orphanet 635, MedGen C2751681, MONDO:0013083, OMIM 613014.

Submission:

Labcorp Genetics (formerly Invitae), Labcorp
Classification: Uncertain significance for Neuroblastoma, susceptibility to, 3. Last evaluated: 2022-12-26. Review status: criteria provided, single submitter. Criteria: Invitae Variant Classification Sherloc (09022015). Collection method: clinical testing. Allele origin: germline.
Comment: In summary, the available evidence is currently insufficient to determine the role of this variant in disease. Therefore, it has been classified as a Variant of Uncertain Significance. Algorithms developed to predict the effect of missense changes on protein structure and function are either unavailable or do not agree on the potential impact of this missense change (SIFT: "Deleterious"; PolyPhen-2: "Probably Damaging"; Align-GVGD: "Class C15"). This variant has not been reported in the literature in individuals affected with ALK-related conditions. This variant is not present in population databases (gnomAD no frequency). This sequence change replaces methionine, which is neutral and non-polar, with valine, which is neutral and non-polar, at codon 1290 of the ALK protein (p.Met1290Val).